The following is an entry in ClinVar:

ClinVar aggregate classification (germline): Uncertain significance (1 of 4 stars; one submission).

Conditions:
Congenital contractural arachnodactyly (CCA). Also called: BEALS SYNDROME; Arthrogryposis, distal, type 9; Beals-Hecht syndrome. Identifiers: Orphanet 115, MedGen C0220668, MONDO:0007363, OMIM 121050.

Allele frequency attached by ClinVar (database versions not stated): gnomAD exomes below 0.00001.
gnomAD v4.1: 1 of 1,613,788 alleles (0.000062%); highest among the groups gnomAD compares: Non-Finnish European, 0.000085%; no homozygotes.

Submission:

Labcorp Genetics (formerly Invitae), Labcorp
Classification: Uncertain significance for Congenital contractural arachnodactyly. Last evaluated: 2023-07-03. Review status: criteria provided, single submitter. Criteria: Invitae Variant Classification Sherloc (09022015). Collection method: clinical testing. Allele origin: germline.
Comment: In summary, the available evidence is currently insufficient to determine the role of this variant in disease. Therefore, it has been classified as a Variant of Uncertain Significance. Advanced modeling of protein sequence and biophysical properties (such as structural, functional, and spatial information, amino acid conservation, physicochemical variation, residue mobility, and thermodynamic stability) performed at Invitae indicates that this missense variant is expected to disrupt FBN2 protein function. This variant has not been reported in the literature in individuals affected with FBN2-related conditions. This variant is not present in population databases (gnomAD no frequency). This sequence change replaces cysteine, which is neutral and slightly polar, with serine, which is neutral and polar, at codon 292 of the FBN2 protein (p.Cys292Ser).

NM_001999.4(FBN2):c.875G>C (p.Cys292Ser)

Gene: FBN2 (fibrillin 2; minus strand). Cytogenetic location: 5q23.3.
Variant type: single nucleotide variant.
Coding change: c.875G>C on transcript NM_001999.4 (MANE Select); coding-DNA position 875, G replaced by C.
Protein change: p.Cys292Ser; replaces cysteine 292 with serine.
Molecular consequence: missense variant.
Genome position (GRCh38, 1-based): chr5:128,446,558, C>G on the plus strand (G>C on the coding strand, the complement: FBN2 is on the minus strand). VCF-style: chr5-128446558-C-G. GRCh37 (hg19) VCF-style: chr5-127782251-C-G.
Other names: short protein forms C292S.
Identifiers: ClinVar variation 2871424 (VCV002871424.3), dbSNP rs2479586569, ClinGen allele CA360752050.